The following is an entry in ClinVar:

NM_000179.3(MSH6):c.134G>C (p.Gly45Ala)

Gene: MSH6 (mutS homolog 6; plus strand). Cytogenetic location: 2p16.3.
Variant type: single nucleotide variant.
Coding change: c.134G>C on transcript NM_000179.3 (MANE Select); coding-DNA position 134, G replaced by C.
Protein change: p.Gly45Ala; replaces glycine 45 with alanine.
Molecular consequence: missense variant. On other transcripts: 5 prime UTR variant (1).
Genome position (GRCh38, 1-based): chr2:47,783,367, G>C. VCF-style: chr2-47783367-G-C. GRCh37 (hg19) VCF-style: chr2-48010506-G-C.
Other names: c.134G>C, p.Gly45Ala (NM_001281492.2); c.-603G>C (NM_001281493.2); short protein forms G45A.
Identifiers: ClinVar variation 428443 (VCV000428443.22), dbSNP rs1114167802, ClinGen allele CA346734900.

ClinVar aggregate classification (germline): Conflicting classifications of pathogenicity. Review status: criteria provided, conflicting classifications (1 of 4 stars). 4 submissions from 4 submitters: Uncertain significance (3); Benign (1). Last evaluated 2025-12-08.

Conditions:
Hereditary nonpolyposis colorectal neoplasms. Identifiers: MedGen C0009405, MeSH D003123.
Hereditary cancer-predisposing syndrome. Also called: Hereditary Cancer Syndrome; Neoplastic Syndromes, Hereditary; Hereditary neoplastic syndrome; Tumor predisposition. Identifiers: Orphanet 140162, MedGen C0027672, MeSH D009386, MONDO:0015356.

Allele frequency attached by ClinVar (database versions not stated): gnomAD 0.00001; TOPMed 0.00001.
gnomAD v4.1: 2 of 1,602,248 alleles (0.00012%); highest among the groups gnomAD compares: African/African-American, 0.0027%; no homozygotes.

Submissions (4):

Labcorp Genetics (formerly Invitae), Labcorp
Classification: Benign for Hereditary nonpolyposis colorectal neoplasms. Last evaluated: 2025-12-08. Review status: criteria provided, single submitter. Criteria: Invitae Variant Classification Sherloc (09022015). Collection method: clinical testing. Allele origin: germline.

Ambry Genetics
Classification: Uncertain significance for Hereditary cancer-predisposing syndrome. Last evaluated: 2025-05-03. Review status: criteria provided, single submitter. Criteria: Ambry Variant Classification Scheme 2023. Collection method: clinical testing. Allele origin: germline.
Comment: The p.G45A variant (also known as c.134G>C), located in coding exon 1 of the MSH6 gene, results from a G to C substitution at nucleotide position 134. The glycine at codon 45 is replaced by alanine, an amino acid with similar properties. This amino acid position is not well conserved in available vertebrate species. In addition, this alteration is predicted to be tolerated by in silico analysis. Since supporting evidence is limited at this time, the clinical significance of this alteration remains unclear.

Women's Health and Genetics/Laboratory Corporation of America, LabCorp
Classification: Uncertain significance. Last evaluated: 2021-03-08. Review status: criteria provided, single submitter. Criteria: LabCorp Variant Classification Summary - May 2015. Collection method: clinical testing. Allele origin: germline.
Comment: Variant summary: MSH6 c.134G>C (p.Gly45Ala) results in a non-conservative amino acid change in the encoded protein sequence. Four of five in-silico tools predict a benign effect of the variant on protein function. The variant allele was found at a frequency of 3.2e-05 in 31332 control chromosomes (gnomAD). The available data on variant occurrences in the general population are insufficient to allow any conclusion about variant significance. To our knowledge, no occurrence of c.134G>C in individuals affected with Hereditary Nonpolyposis Colorectal Cancer and no experimental evidence demonstrating its impact on protein function have been reported. Two ClinVar submitters (evaluation after 2014) cite the variant as uncertain significance. Based on the evidence outlined above, the variant was classified as uncertain significance.

Genetic Services Laboratory, University of Chicago
Classification: Uncertain significance. Last evaluated: 2021-02-28. Review status: criteria provided, single submitter. Criteria: ACMG Guidelines, 2015. Collection method: clinical testing. Allele origin: germline. Affected: no.
Comment: DNA sequence analysis of the MSH6 gene demonstrated a sequence change, c.134G>C, in exon 1 that results in an amino acid change, p.Gly45Ala. This sequence change does not appear to have been previously described in individual with MSH6-related disorders. This sequence change has been described in one African/African American in the gnomAD database (dbSNP rs1114167802). The p.Gly45Ala change affects a poorly conserved amino acid residue of the MSH6 protein. The p.Gly45Ala substitution appears to be benign using several in-silico pathogenicity prediction tools (SIFT, PolyPhen2, Align GVGD, REVEL) Due to these contrasting evidences and the lack of functional studies, the clinical significance of the p.Gly45Ala change remains unknown at this time.